The following is an entry in ClinVar:

ClinVar aggregate classification (germline): Likely benign (1 of 4 stars; one submission).

Allele frequency attached by ClinVar (database versions not stated): gnomAD exomes 0.00047; ESP Exome Variant Server 0.00049; gnomAD 0.00065; TOPMed 0.00069; ExAC 0.00087.
gnomAD v4.1: 853 of 1,613,894 alleles (0.053%); highest among the groups gnomAD compares: Non-Finnish European, 0.0071%; 10 homozygotes.

Submission:

CeGaT Center for Human Genetics Tuebingen
Classification: Likely benign. Last evaluated: 2023-11-01. Review status: criteria provided, single submitter. Criteria: CeGaT Center For Human Genetics Tuebingen Variant Classification Criteria Version 2. Collection method: clinical testing. Allele origin: germline. Affected: yes. Observed: 2 variant alleles.
Comment: COL6A6: BP4, BS2

NM_001102608.3(COL6A6):c.2227G>A (p.Val743Ile)

Gene: COL6A6 (collagen type VI alpha 6 chain; plus strand). Cytogenetic location: 3q22.1.
Variant type: single nucleotide variant.
Coding change: c.2227G>A on transcript NM_001102608.3 (MANE Select); coding-DNA position 2227, G replaced by A.
Protein change: p.Val743Ile; replaces valine 743 with isoleucine.
Molecular consequence: missense variant.
Genome position (GRCh38, 1-based): chr3:130,568,430, G>A. VCF-style: chr3-130568430-G-A. GRCh37 (hg19) VCF-style: chr3-130287274-G-A.
Other names: short protein forms V743I.
Identifiers: ClinVar variation 2654139 (VCV002654139.24), dbSNP rs200242417, ClinGen allele CA2612332.
Genomic context (GRCh38, chr3:130,568,430, plus strand): 5'-AGAAAGTTTCTCATCCTCATCACGGATGGTGAAGCTCAGGACATAGTAAAGGAACCAGCA[G>A]TAGTGCTTCGGCAAGAAGGTGTAATCATCTATTCTGTGGGAGTGTTTGGCTCCAATGTCA-3'
Protein context (NP_001096078.1, residues 733-753): EAQDIVKEPA[Val743Ile]VLRQEGVIIY